The following is an entry in ClinVar:

ClinVar aggregate classification (germline): Pathogenic/Likely pathogenic. Review status: criteria provided, multiple submitters, no conflicts (2 of 4 stars). 4 submissions from 4 submitters: Pathogenic (2); Likely pathogenic (2). Last evaluated 2025-07-11.

Conditions:
Hematuria, benign familial, 1 (BFH1). Also called: THIN MEMBRANE NEPHROPATHY. Identifiers: MedGen CN376803, MONDO:0007709, OMIM 141200.
Autosomal recessive Alport syndrome (ATS2). Also called: ALPORT SYNDROME 2, AUTOSOMAL RECESSIVE; COL4A3-Related Nephropathy; Alport syndrome type 2; COL4A4 Alport Syndrome and Thin Basement Membrane Nephropathy. Identifiers: Orphanet 63, Orphanet 88919, MedGen C4746745, MONDO:0008762, OMIM 203780.
Autosomal dominant Alport syndrome (ATS3A). Also called: ALPORT SYNDROME 3A, AUTOSOMAL DOMINANT; Alport syndrome dominant type; Renal failure and sensorineural hearing loss. Identifiers: Orphanet 63, Orphanet 88918, MedGen C5882663, MONDO:0007086, OMIM 104200.
Alport syndrome. Also called: Hemorrhagic familial nephritis; Hemorrhagic hereditary nephritis; Congenital hereditary hematuria. Identifiers: Orphanet 63, MedGen C1567741, MONDO:0018965.

gnomAD v4.1: 2 of 1,613,146 alleles (0.00012%); highest among the groups gnomAD compares: Non-Finnish European, 0.00017%; no homozygotes.

Submissions (4):

Institute of Human Genetics, University of Leipzig Medical Center
Classification: Pathogenic for Autosomal dominant Alport syndrome. Last evaluated: 2025-07-11. Review status: criteria provided, single submitter. Criteria: ACMG Guidelines, 2015. Collection method: clinical testing. Allele origin: unknown. Inheritance: Autosomal dominant inheritance. Affected: yes.
Comment: Criteria applied: PVS1,PS4_MOD,PM2_SUP

Fulgent Genetics
Classification: Likely pathogenic for Hematuria, benign familial, 1; Autosomal recessive Alport syndrome. Last evaluated: 2024-05-31. Review status: criteria provided, single submitter. Criteria: ACMG Guidelines, 2015. Collection method: clinical testing. Allele origin: germline.

Natera, Inc.
Classification: Likely pathogenic for Alport syndrome. Last evaluated: 2024-02-28. Review status: criteria provided, single submitter. Criteria: Natera Variant Classification Schema (03/2026). Collection method: clinical testing. Allele origin: germline.
Comment: The c.3514G>T variant in COL4A4 is a nonsense variant predicted to introduce a stop codon at amino acid 1172. This variant is expected to result in nonsense mediated decay, truncation, or a dysfunctional protein product. This variant is rare in the general population with a frequency below the threshold expected for the associated phenotype(s). Given the available evidence, this variant is classified as Likely Pathogenic.

Labcorp Genetics (formerly Invitae), Labcorp
Classification: Pathogenic. Last evaluated: 2021-04-23. Review status: criteria provided, single submitter. Criteria: Invitae Variant Classification Sherloc (09022015). Collection method: clinical testing. Allele origin: germline.
Comment: This sequence change creates a premature translational stop signal (p.Gly1172*) in the COL4A4 gene. It is expected to result in an absent or disrupted protein product. Loss-of-function variants in COL4A4 are known to be pathogenic (PMID: 21196518, 24854265, 25307543). This variant is not present in population databases (ExAC no frequency). This variant has not been reported in the literature in individuals with COL4A4-related conditions. For these reasons, this variant has been classified as Pathogenic.

Literature cited by the submitters: PubMed 21196518 (cited by Labcorp Genetics (formerly Invitae), Labcorp); PubMed 24854265 (cited by Labcorp Genetics (formerly Invitae), Labcorp); PubMed 25307543 (cited by Labcorp Genetics (formerly Invitae), Labcorp).

NM_000092.5(COL4A4):c.3514G>T (p.Gly1172Ter)

Gene: COL4A4 (collagen type IV alpha 4 chain; minus strand). Cytogenetic location: 2q36.3.
Variant type: single nucleotide variant.
Coding change: c.3514G>T on transcript NM_000092.5 (MANE Select); coding-DNA position 3514, G replaced by T.
Protein change: p.Gly1172Ter; replaces glycine 1172 with a stop codon.
Molecular consequence: nonsense.
Genome position (GRCh38, 1-based): chr2:227,033,473, C>A on the plus strand (G>T on the coding strand, the complement: COL4A4 is on the minus strand). VCF-style: chr2-227033473-C-A. GRCh37 (hg19) VCF-style: chr2-227898189-C-A.
Other names: c.3514G>T (NM_000092.4); short protein forms G1172*.
Identifiers: ClinVar variation 1400565 (VCV001400565.9), dbSNP rs1364773011, ClinGen allele CA350838118.